The following is an entry in ClinVar:

NM_003072.5(SMARCA4):c.4272_4275del (p.Thr1425fs)

Gene: SMARCA4 (SWI/SNF related BAF chromatin remodeling complex subunit ATPase 4; plus strand). Cytogenetic location: 19p13.2.
Variant type: Deletion.
Coding change: c.4272_4275del on transcript NM_003072.5 (MANE Select); coding-DNA positions 4272 to 4275, 4 bases deleted (GACC; older notation c.4272_4275delGACC).
Protein change: p.Thr1425fs; shifts the reading frame from threonine 1425.
Molecular consequence: frameshift variant. On other transcripts: non-coding transcript variant (1).
Genome position (GRCh38, 1-based): chr19:11,041,408-11,041,411, GACC deleted; deleting any 4 consecutive bases within chr19:11,041,406-11,041,411 gives the same sequence; the c. name uses the placement nearest the transcript's 3' end. VCF-style (leftmost placement, unchanged base first): chr19-11041405-CCCGA-C. GRCh37 (hg19) VCF-style: chr19-11152081-CCCGA-C.
Other names: c.4272_4275del, p.Thr1425fs (NM_001128844.3); c.4182_4185del, p.Thr1395fs (NM_001128845.2, NM_001128846.2); c.4173_4176del, p.Thr1392fs (NM_001128847.4, NM_001128848.2, NM_001374457.1); c.4368_4371del, p.Thr1457fs (NM_001128849.3, NM_001387283.1); c.4269_4272del, p.Thr1424fs (NM_001411150.1); c.4368_4371delGACC (NM_001128849.1); short protein forms T1424fs, T1457fs, T1395fs, T1392fs, T1425fs.
Identifiers: ClinVar variation 3648766 (VCV003648766.3).
Genomic context (GRCh38, chr19:11,041,405, plus strand): 5'-GGTCCGGCAGAAGAAATCATCACGGAAGCGCAAGCGAGACAGCGACGCCGGCTCCTCCAC[CCCGA>C]CCACCAGCACCCGCAGCCGCGACAAGGACGACGAGAGCAAGAAGCAGAAGAAGCGCGGGC-3'

ClinVar aggregate classification (germline): Pathogenic. Review status: criteria provided, multiple submitters, no conflicts (2 of 4 stars). 2 submissions from 2 submitters: Pathogenic (2). Last evaluated 2024-12-19.

Conditions:
Rhabdoid tumor predisposition syndrome 2 (RTPS2). Identifiers: Orphanet 231108, Orphanet 69077, MedGen C2750074, MONDO:0013224, OMIM 613325.
Hereditary cancer-predisposing syndrome. Also called: Neoplastic Syndromes, Hereditary; Tumor predisposition; Hereditary neoplastic syndrome; Hereditary Cancer Syndrome. Identifiers: Orphanet 140162, MedGen C0027672, MeSH D009386, MONDO:0015356.

Submissions (2):

Ambry Genetics
Classification: Pathogenic for Hereditary cancer-predisposing syndrome. Last evaluated: 2024-12-19. Review status: criteria provided, single submitter. Criteria: Ambry Variant Classification Scheme 2023. Collection method: clinical testing. Allele origin: germline.
Comment: The c.4368_4371delGACC pathogenic mutation, located in coding exon 30 of the SMARCA4 gene, results from a deletion of 4 nucleotides at nucleotide positions 4368 to 4371, causing a translational frameshift with a predicted alternate stop codon (p.T1457Pfs*37). Loss-of-function variants in SMARCA4 are known to cause rhabdoid tumor predisposition syndrome including small cell carcinoma of the ovary-hypercalcemic type (SCCOHT); however, such associations with neurodevelopmental disorders are exceedingly rare (Kosho T et al. Am J Med Genet C Semin Med Genet. 2014 Sep;166C(3):262-75; Jelinic P et al. Nat Genet. 2014 May;46(5):424-6). Based on the supporting evidence, this alteration is pathogenic for rhabdoid tumor predisposition syndrome; however, the association of this alteration with Coffin-Siris syndrome is unlikely.

Labcorp Genetics (formerly Invitae), Labcorp
Classification: Pathogenic for Rhabdoid tumor predisposition syndrome 2. Last evaluated: 2024-04-04. Review status: criteria provided, single submitter. Criteria: Invitae Variant Classification Sherloc (09022015). Collection method: clinical testing. Allele origin: germline.
Comment: This sequence change creates a premature translational stop signal (p.Thr1457Profs*37) in the SMARCA4 gene. It is expected to result in an absent or disrupted protein product. Loss-of-function variants in SMARCA4 are known to be pathogenic (PMID: 24658001, 24658002). This variant is not present in population databases (gnomAD no frequency). This variant has not been reported in the literature in individuals affected with SMARCA4-related conditions. For these reasons, this variant has been classified as Pathogenic.

Literature cited by the submitters: PubMed 24658001 (cited by Labcorp Genetics (formerly Invitae), Labcorp); PubMed 24658002 (cited by Labcorp Genetics (formerly Invitae), Labcorp).